The following is an entry in ClinVar:

ClinVar aggregate classification (germline): Uncertain significance (1 of 4 stars; one submission).

Conditions:
Oligodontia-cancer predisposition syndrome. Also called: TOOTH AGENESIS-COLORECTAL CANCER SYNDROME. Identifiers: Orphanet 300576, MedGen C1837750, MONDO:0012075, OMIM 608615. Disease mechanism: loss of function.

Submission:

Labcorp Genetics (formerly Invitae), Labcorp
Classification: Uncertain significance for Oligodontia-cancer predisposition syndrome. Last evaluated: 2022-09-06. Review status: criteria provided, single submitter. Criteria: Invitae Variant Classification Sherloc (09022015). Collection method: clinical testing. Allele origin: germline.
Comment: In summary, the available evidence is currently insufficient to determine the role of this variant in disease. Therefore, it has been classified as a Variant of Uncertain Significance. Algorithms developed to predict the effect of missense changes on protein structure and function (SIFT, PolyPhen-2, Align-GVGD) all suggest that this variant is likely to be tolerated. This variant has not been reported in the literature in individuals affected with AXIN2-related conditions. This variant is not present in population databases (gnomAD no frequency). This sequence change replaces glycine, which is neutral and non-polar, with valine, which is neutral and non-polar, at codon 160 of the AXIN2 protein (p.Gly160Val).

NM_004655.4(AXIN2):c.479G>T (p.Gly160Val)

Gene: AXIN2 (axin 2; minus strand). Cytogenetic location: 17q24.1.
Variant type: single nucleotide variant.
Coding change: c.479G>T on transcript NM_004655.4 (MANE Select); coding-DNA position 479, G replaced by T.
Protein change: p.Gly160Val; replaces glycine 160 with valine.
Molecular consequence: missense variant.
Genome position (GRCh38, 1-based): chr17:65,558,142, C>A on the plus strand (G>T on the coding strand, the complement: AXIN2 is on the minus strand). VCF-style: chr17-65558142-C-A. GRCh37 (hg19) VCF-style: chr17-63554260-C-A.
Other names: c.479G>T, p.Gly160Val (NM_001363813.1); short protein forms G160V.
Identifiers: ClinVar variation 2153212 (VCV002153212.4), dbSNP rs1162424416, ClinGen allele CA400681239.
Genomic context (GRCh38, chr17:65,558,142, plus strand): 5'-GACTGGATCTCGGTCTGCGCCTGGTCAAACATGATGGAATCAATCTGCTGCTTCTTGATG[C>A]CATCTCTTATGTAGGTCTTGGTGGCAGGCTTCAGCTGCTTGGAGACAATGCTGTTGTTCT-3'
Protein context (NP_004646.3, residues 150-170): KPATKTYIRD[Gly160Val]IKKQQIDSIM